The following is an entry in ClinVar:

ClinVar aggregate classification (germline): Benign/Likely benign. Review status: criteria provided, multiple submitters, no conflicts (2 of 4 stars). 8 submissions from 8 submitters: Benign (3); Likely benign (3). 2 of the submissions do not count toward it. Last evaluated 2026-03-01.

Conditions:
MHC class II deficiency. Also called: Bare lymphocyte syndrome 2; BLS, TYPE II. Identifiers: Orphanet 572, MedGen C5447452, MONDO:0008855.
CIITA-related disorder. Also called: CIITA-related condition.

Allele frequency attached by ClinVar (database versions not stated): ESP Exome Variant Server 0.00416; TOPMed 0.00449; 1000 Genomes Project 0.00579; 1000 Genomes Project 30x 0.00625.
gnomAD v4.1: 1,334 of 1,614,156 alleles (0.083%); highest among the groups gnomAD compares: African/African-American, 1.5%; 9 homozygotes.

Submissions (8):

CeGaT Center for Human Genetics Tuebingen
Classification: Likely benign. Last evaluated: 2026-03-01. Review status: criteria provided, single submitter. Criteria: CeGaT Center For Human Genetics Tuebingen Variant Classification Criteria Version 2. Collection method: clinical testing. Allele origin: germline. Affected: yes. Observed: 1 variant allele.
Comment: CIITA: BP4, BS1

Labcorp Genetics (formerly Invitae), Labcorp
Classification: Benign for MHC class II deficiency. Last evaluated: 2026-01-28. Review status: criteria provided, single submitter. Criteria: Invitae Variant Classification Sherloc (09022015). Collection method: clinical testing. Allele origin: germline.

Women's Health and Genetics/Laboratory Corporation of America, LabCorp
Classification: Likely benign. Last evaluated: 2026-01-22. Review status: criteria provided, single submitter. Criteria: LabCorp Variant Classification Summary - May 2015. Collection method: clinical testing. Allele origin: germline.

Blueprint Genetics
Classification: Likely benign. Last evaluated: 2024-10-09. Review status: criteria provided, single submitter. Criteria: ACMG Guidelines, 2015. Collection method: clinical testing. Allele origin: germline.

Illumina Laboratory Services, Illumina
Classification: Benign for MHC class II deficiency 1. Last evaluated: 2017-04-27. Review status: criteria provided, single submitter. Criteria: ICSL Variant Classification Criteria 13 December 2019. Collection method: clinical testing. Allele origin: germline.
Comment: This variant was observed as part of a predisposition screen in an ostensibly healthy population. A literature search was performed for the gene, cDNA change, and amino acid change (where applicable). No publications were found based on this search. Allele frequency data from public databases was too high to be consistent with this variant causing disease. Therefore, this variant is classified as benign.

Breakthrough Genomics
Classification: Benign. Review status: criteria provided, single submitter. Criteria: ACMG Guidelines, 2015. Collection method: not provided. Allele origin: germline. Inheritance: Autosomal recessive inheritance. Affected: yes.

Natera, Inc.
Classification: Benign for Bare lymphocyte syndrome type II. Last evaluated: 2020-09-16. Review status: no assertion criteria provided. Collection method: clinical testing. Allele origin: germline. Not counted in ClinVar's aggregate classification.

PreventionGenetics, part of Exact Sciences
Classification: Benign for CIITA-related condition. Last evaluated: 2020-02-17. Review status: no assertion criteria provided. Collection method: clinical testing. Allele origin: germline. Not counted in ClinVar's aggregate classification.
Comment: This variant is classified as benign based on ACMG/AMP sequence variant interpretation guidelines (Richards et al. 2015 PMID: 25741868, with internal and published modifications).

NM_000246.4(CIITA):c.494C>G (p.Thr165Ser)

Gene: CIITA (class II major histocompatibility complex transactivator; plus strand). Cytogenetic location: 16p13.13.
Variant type: single nucleotide variant.
Coding change: c.494C>G on transcript NM_000246.4 (MANE Select); coding-DNA position 494, C replaced by G.
Protein change: p.Thr165Ser; replaces threonine 165 with serine.
Molecular consequence: missense variant. On other transcripts: non-coding transcript variant (1), intron variant (3).
Genome position (GRCh38, 1-based): chr16:10,902,050, C>G. VCF-style: chr16-10902050-C-G. GRCh37 (hg19) VCF-style: chr16-10995907-C-G.
Other names: c.497C>G, p.Thr166Ser (NM_001286402.1, NM_001379332.1); c.494C>G, p.Thr165Ser (NM_001379333.1); c.425C>G, p.Thr142Ser (NM_001379334.1); c.484+492C>G (NM_001379330.1); c.481+492C>G (NM_001379331.1, NM_001286403.2); short protein forms T165S, T166S, T142S.
Identifiers: ClinVar variation 459197 (VCV000459197.25), dbSNP rs34648899, ClinGen allele CA7899786.